The following is an entry in ClinVar:

NM_015338.6(ASXL1):c.4174C>T (p.Pro1392Ser)

Gene: ASXL1 (ASXL transcriptional regulator 1; plus strand). Cytogenetic location: 20q11.21.
Variant type: single nucleotide variant.
Coding change: c.4174C>T on transcript NM_015338.6 (MANE Select); coding-DNA position 4174, C replaced by T.
Protein change: p.Pro1392Ser; replaces proline 1392 with serine.
Molecular consequence: missense variant.
Genome position (GRCh38, 1-based): chr20:32,436,886, C>T. VCF-style: chr20-32436886-C-T. GRCh37 (hg19) VCF-style: chr20-31024689-C-T.
Other names: c.3991C>T, p.Pro1331Ser (NM_001363734.1); short protein forms P1331S, P1392S.
Identifiers: ClinVar variation 4990815 (VCV004990815.1).
Genomic context (GRCh38, chr20:32,436,886, plus strand): 5'-ACTTTTGTGGGGGGTCCTCTTAAGGCAAATGCCGAGAACAGGAAAGCTACTGGGCATAGT[C>T]CCCTGGAACTGGTGGGTCACTTGGAAGGGATGCCCTTTGTCATGGACTTGCCCTTCTGGA-3'
Protein context (NP_056153.2, residues 1382-1402): AENRKATGHS[Pro1392Ser]LELVGHLEGM

ClinVar aggregate classification (germline): Uncertain significance (1 of 4 stars; one submission).

Conditions:
ASXL1-related disorder. Also called: ASXL1-related disorders; ASXL1-related condition.

gnomAD v4.1: 11 of 1,614,074 alleles (0.00068%); highest among the groups gnomAD compares: African/African-American, 0.012%; no homozygotes.

Submission:

PreventionGenetics, part of Exact Sciences
Classification: Uncertain significance for ASXL1-related condition. Last evaluated: 2025-01-31. Review status: criteria provided, single submitter. Criteria: ACMG Guidelines, 2015. Collection method: clinical testing. Allele origin: germline.
Comment: The ASXL1 c.4174C>T variant is predicted to result in the amino acid substitution p.Pro1392Ser. To our knowledge, this variant has not been reported in the literature. This variant is reported in 0.0080% of alleles in individuals of African descent in gnomAD. At this time, the clinical significance of this variant is uncertain due to the absence of conclusive functional and genetic evidence.